The following is an entry in ClinVar:

ClinVar aggregate classification (germline): Uncertain significance (1 of 4 stars; one submission).

Allele frequency attached by ClinVar (database versions not stated): gnomAD exomes below 0.00001; gnomAD 0.00001; TOPMed 0.00002; ExAC 0.00003.
gnomAD v4.1: 4 of 1,568,732 alleles (0.00025%); highest among the groups gnomAD compares: African/African-American, 0.0054%; no homozygotes.

Submission:

Labcorp Genetics (formerly Invitae), Labcorp
Classification: Uncertain significance. Last evaluated: 2022-08-17. Review status: criteria provided, single submitter. Criteria: Invitae Variant Classification Sherloc (09022015). Collection method: clinical testing. Allele origin: germline.
Comment: In summary, the available evidence is currently insufficient to determine the role of this variant in disease. Therefore, it has been classified as a Variant of Uncertain Significance. This sequence change replaces glycine, which is neutral and non-polar, with arginine, which is basic and polar, at codon 884 of the ZNF687 protein (p.Gly884Arg). The frequency data for this variant in the population databases is considered unreliable, as metrics indicate poor data quality at this position in the gnomAD database. This variant has not been reported in the literature in individuals affected with ZNF687-related conditions. Algorithms developed to predict the effect of missense changes on protein structure and function (SIFT, PolyPhen-2, Align-GVGD) all suggest that this variant is likely to be tolerated.

NM_020832.3(ZNF687):c.2650G>A (p.Gly884Arg)

Gene: ZNF687 (zinc finger protein 687; plus strand). Cytogenetic location: 1q21.3.
Variant type: single nucleotide variant.
Coding change: c.2650G>A on transcript NM_020832.3 (MANE Select); coding-DNA position 2650, G replaced by A.
Protein change: p.Gly884Arg; replaces glycine 884 with arginine.
Molecular consequence: missense variant.
Genome position (GRCh38, 1-based): chr1:151,289,693, G>A. VCF-style: chr1-151289693-G-A. GRCh37 (hg19) VCF-style: chr1-151262169-G-A.
Other names: c.2650G>A, p.Gly884Arg (NM_001304763.2, NM_001304764.2); short protein forms G884R.
Identifiers: ClinVar variation 1920064 (VCV001920064.5), dbSNP rs759731527, ClinGen allele CA1088621.
Genomic context (GRCh38, chr1:151,289,693, plus strand): 5'-CAGGCCCTCCCCCACAACAGCAACCTCCCTTGTCTCCTCTCACAGAACACCCATCAGTCT[G>A]GGCGCTTGGAGGAGACTGCTGGGAAAGGGGCCGGGGGTGCCCTGCTGACCCCCAAGACTG-3'
Protein context (NP_065883.1, residues 874-894): LEHLKNTHQS[Gly884Arg]RLEETAGKGA